The following is an entry in ClinVar:

NM_006059.4(LAMC3):c.3131G>T (p.Gly1044Val)

Gene: LAMC3 (laminin subunit gamma 3; plus strand). Cytogenetic location: 9q34.12.
Variant type: single nucleotide variant.
Coding change: c.3131G>T on transcript NM_006059.4 (MANE Select); coding-DNA position 3131, G replaced by T.
Protein change: p.Gly1044Val; replaces glycine 1044 with valine.
Molecular consequence: missense variant.
Genome position (GRCh38, 1-based): chr9:131,071,545, G>T. VCF-style: chr9-131071545-G-T. GRCh37 (hg19) VCF-style: chr9-133946932-G-T.
Other names: short protein forms G1044V.
Identifiers: ClinVar variation 516959 (VCV000516959.14), dbSNP rs114605554, ClinGen allele CA5287688.
Genomic context (GRCh38, chr9:131,071,545, plus strand): 5'-CAGCCAAGCTGAAGGCCAGACTGACTTTGACGGAGGGGTGGCTCCAAGGGTCCGACTGTG[G>T]CAGTCCCTGGGGACCACTAGACATTCTGCTGGGAGAGGCCCCAAGGGGGGACGTCTACCA-3'
Protein context (NP_006050.3, residues 1034-1054): TEGWLQGSDC[Gly1044Val]SPWGPLDILL

ClinVar aggregate classification (germline): Conflicting classifications of pathogenicity. Review status: criteria provided, conflicting classifications (1 of 4 stars). 5 submissions from 5 submitters: Uncertain significance (1); Likely benign (4). Last evaluated 2026-01-04.

Conditions:
Inborn genetic diseases. Identifiers: MedGen C0950123, MeSH D030342.

Allele frequency attached by ClinVar (database versions not stated): TOPMed 0.00198; 1000 Genomes Project 0.00200; 1000 Genomes Project 30x 0.00234; gnomAD exomes 0.00018 and 0.00045; ExAC 0.00052; gnomAD 0.00160 and 0.00170; ESP Exome Variant Server 0.00185.
gnomAD v4.1: 518 of 1,613,516 alleles (0.032%); highest among the groups gnomAD compares: African/African-American, 0.61%; 2 homozygotes.

Submissions (5):

Labcorp Genetics (formerly Invitae), Labcorp
Classification: Likely benign. Last evaluated: 2026-01-04. Review status: criteria provided, single submitter. Criteria: Invitae Variant Classification Sherloc (09022015). Collection method: clinical testing. Allele origin: germline.

Ambry Genetics
Classification: Likely benign for Inborn genetic diseases. Last evaluated: 2025-08-11. Review status: criteria provided, single submitter. Criteria: Ambry Variant Classification Scheme 2023. Collection method: clinical testing. Allele origin: germline.

Blueprint Genetics
Classification: Uncertain significance. Last evaluated: 2024-01-23. Review status: criteria provided, single submitter. Criteria: ACMG Guidelines, 2015. Collection method: clinical testing. Allele origin: germline.

GeneDx
Classification: Likely benign. Last evaluated: 2018-02-16. Review status: criteria provided, single submitter. Criteria: GeneDx Variant Classification (06012015). Collection method: clinical testing. Allele origin: germline. Affected: yes.
Comment: This variant is considered likely benign or benign based on one or more of the following criteria: it is a conservative change, it occurs at a poorly conserved position in the protein, it is predicted to be benign by multiple in silico algorithms, and/or has population frequency not consistent with disease.

Breakthrough Genomics
Classification: Likely benign. Review status: criteria provided, single submitter. Criteria: ACMG Guidelines, 2015. Collection method: not provided. Allele origin: germline. Inheritance: Autosomal recessive inheritance. Affected: yes.